The following is an entry in ClinVar:

ClinVar aggregate classification (germline): Conflicting classifications of pathogenicity. Review status: criteria provided, conflicting classifications (1 of 4 stars). 2 submissions from 2 submitters: Uncertain significance (1); Likely benign (1). Last evaluated 2026-04-16.

Conditions:
Inborn genetic diseases. Identifiers: MedGen C0950123, MeSH D030342.

Allele frequency attached by ClinVar (database versions not stated): 1000 Genomes Project 0.00080; 1000 Genomes Project 30x 0.00062.

Submissions (2):

GeneDx
Classification: Uncertain significance. Last evaluated: 2026-04-16. Review status: criteria provided, single submitter. Criteria: GeneDx Variant Classification Process June 2021. Collection method: clinical testing. Allele origin: germline.
Comment: In silico analysis suggests that this missense variant does not alter protein structure/function; Has not been previously published as pathogenic or benign to our knowledge

Ambry Genetics
Classification: Likely benign for Inborn genetic diseases. Last evaluated: 2023-11-17. Review status: criteria provided, single submitter. Criteria: Ambry Variant Classification Scheme 2023. Collection method: clinical testing. Allele origin: germline.

NM_133259.4(LRPPRC):c.3259A>G (p.Met1087Val)

Gene: LRPPRC (leucine rich pentatricopeptide repeat containing; minus strand). Cytogenetic location: 2p21.
Variant type: single nucleotide variant.
Coding change: c.3259A>G on transcript NM_133259.4 (MANE Select); coding-DNA position 3259, A replaced by G.
Protein change: p.Met1087Val; replaces methionine 1087 with valine.
Molecular consequence: missense variant.
Genome position (GRCh38, 1-based): chr2:43,912,448, T>C on the plus strand (A>G on the coding strand, the complement: LRPPRC is on the minus strand). VCF-style: chr2-43912448-T-C. GRCh37 (hg19) VCF-style: chr2-44139587-T-C.
Other names: short protein forms M1087V.
Identifiers: ClinVar variation 3120363 (VCV003120363.2), dbSNP rs202033109, ClinGen allele CA1638138.